The following is an entry in ClinVar:

ClinVar aggregate classification (germline): Uncertain significance. Review status: criteria provided, multiple submitters, no conflicts (2 of 4 stars). 3 submissions from 3 submitters: Uncertain significance (3). Last evaluated 2025-01-08.

Conditions:
Charcot-Marie-Tooth disease type 4B3. Also called: CHARCOT-MARIE-TOOTH DISEASE, DEMYELINATING, TYPE 4B3; Charcot-Marie-Tooth Neuropathy Type 4B3. Identifiers: Orphanet 363981, MedGen C3695063, MONDO:0014117, OMIM 615284.

Allele frequency attached by ClinVar (database versions not stated): gnomAD exomes 0.00001; TOPMed 0.00001; ExAC 0.00002; gnomAD 0.00002.

Submissions (3):

Ambry Genetics
Classification: Uncertain significance. Last evaluated: 2025-01-08. Review status: criteria provided, single submitter. Criteria: Ambry Variant Classification Scheme 2023. Collection method: clinical testing. Allele origin: germline.

Revvity Omics, Revvity
Classification: Uncertain significance for Charcot-Marie-Tooth disease type 4B3. Last evaluated: 2022-08-26. Review status: criteria provided, single submitter. Criteria: ACMG Guidelines, 2015. Collection method: clinical testing. Allele origin: germline.

Labcorp Genetics (formerly Invitae), Labcorp
Classification: Uncertain significance. Last evaluated: 2022-07-13. Review status: criteria provided, single submitter. Criteria: Invitae Variant Classification Sherloc (09022015). Collection method: clinical testing. Allele origin: germline.
Comment: In summary, the available evidence is currently insufficient to determine the role of this variant in disease. Therefore, it has been classified as a Variant of Uncertain Significance. Algorithms developed to predict the effect of missense changes on protein structure and function are either unavailable or do not agree on the potential impact of this missense change (SIFT: "Deleterious"; PolyPhen-2: "Probably Damaging"; Align-GVGD: "Class C0"). ClinVar contains an entry for this variant (Variation ID: 1487812). This variant has not been reported in the literature in individuals affected with SBF1-related conditions. This variant is present in population databases (rs559790533, gnomAD 0.002%). This sequence change replaces aspartic acid, which is acidic and polar, with glycine, which is neutral and non-polar, at codon 996 of the SBF1 protein (p.Asp996Gly).

NM_002972.4(SBF1):c.2987A>G (p.Asp996Gly)

Gene: SBF1 (SET binding factor 1; minus strand). Cytogenetic location: 22q13.33.
Variant type: single nucleotide variant.
Coding change: c.2987A>G on transcript NM_002972.4 (MANE Select); coding-DNA position 2987, A replaced by G.
Protein change: p.Asp996Gly; replaces aspartic acid 996 with glycine.
Molecular consequence: missense variant.
Genome position (GRCh38, 1-based): chr22:50,460,693, T>C on the plus strand (A>G on the coding strand, the complement: SBF1 is on the minus strand). VCF-style: chr22-50460693-T-C. GRCh37 (hg19) VCF-style: chr22-50899122-T-C.
Other names: c.2990A>G, p.Asp997Gly (NM_001365819.1); c.2987A>G (NM_002972.2); short protein forms D996G, D997G.
Identifiers: ClinVar variation 1487812 (VCV001487812.12), dbSNP rs559790533, ClinGen allele CA10316926.
Genomic context (GRCh38, chr22:50,460,693, plus strand): 5'-TACCGCAGCTTATGCAGCTGCTTACGGAAGAGCTCGGCGCTGTCAGACCCCACCTCCTCG[T>C]CAAAGGCCATTTTCAGCAGCTGTGTCAGTAAAAGCAGCCCTTAGGGGTGTGGGTGGCCCC-3'
Protein context (NP_002963.2, residues 986-1006): CTFQLLKMAF[Asp996Gly]EEVGSDSAEL